The following is an entry in ClinVar:

NM_020843.4(SCAPER):c.3113G>A (p.Gly1038Glu)

Genes: SCAPER (S-phase cyclin A associated protein in the ER; minus strand), LOC126862183 (BRD4-independent group 4 enhancer GRCh37_chr15:76726060-76727259; plus strand). Cytogenetic location: 15q24.3.
Variant type: single nucleotide variant.
Coding change: c.3113G>A on transcript NM_020843.4 (MANE Select); coding-DNA position 3113, G replaced by A.
Protein change: p.Gly1038Glu; replaces glycine 1038 with glutamic acid.
Molecular consequence: missense variant. On other transcripts: non-coding transcript variant (1).
Genome position (GRCh38, 1-based): chr15:76,434,276, C>T on the plus strand (G>A on the coding strand, the complement: SCAPER is on the minus strand). VCF-style: chr15-76434276-C-T. GRCh37 (hg19) VCF-style: chr15-76726617-C-T.
Other names: c.2375G>A, p.Gly792Glu (NM_001145923.2); c.3131G>A, p.Gly1044Glu (NM_001353009.2); c.2711G>A, p.Gly904Glu (NM_001353010.2, NM_001353012.2); c.2729G>A, p.Gly910Glu (NM_001353011.2); c.3131G>A (NM_001353009.1); short protein forms G792E, G910E, G1038E, G1044E, G904E.
Identifiers: ClinVar variation 2595022 (VCV002595022.5), dbSNP rs776329857, ClinGen allele CA7674514.

ClinVar aggregate classification (germline): Uncertain significance. Review status: criteria provided, multiple submitters, no conflicts (2 of 4 stars). 4 submissions from 4 submitters: Uncertain significance (4). Last evaluated 2026-04-03.

Conditions:
SCAPER-related disorder. Also called: SCAPER-related condition.
Intellectual developmental disorder and retinitis pigmentosa; IDDRP. Also called: INTELLECTUAL DEVELOPMENTAL DISORDER AND RETINITIS PIGMENTOSA. Identifiers: MedGen C4748658, MONDO:0032594, OMIM 618195.
Inborn genetic diseases. Identifiers: MedGen C0950123, MeSH D030342.

Allele frequency attached by ClinVar (database versions not stated): TOPMed below 0.00001; gnomAD 0.00001; gnomAD exomes 0.00003; ExAC 0.00006.
gnomAD v4.1: 41 of 1,612,414 alleles (0.0025%); highest among the groups gnomAD compares: South Asian, 0.043%; no homozygotes.

Submissions (4):

PreventionGenetics, part of Exact Sciences
Classification: Uncertain significance for SCAPER-related condition. Last evaluated: 2026-04-03. Review status: criteria provided, single submitter. Criteria: ACMG Guidelines, 2015. Collection method: clinical testing. Allele origin: germline.
Comment: The SCAPER c.3131G>A variant is predicted to result in the amino acid substitution p.Gly1044Glu. To our knowledge, this variant has not been reported in the literature. This variant is reported in 0.023% of alleles in individuals of South Asian descent in gnomAD. At this time, the clinical significance of this variant is uncertain due to the absence of conclusive functional and genetic evidence.

Genomic Medicine Center of Excellence, King Faisal Specialist Hospital and Research Centre
Classification: Uncertain significance for Intellectual developmental disorder and retinitis pigmentosa; IDDRP. Last evaluated: 2025-09-10. Review status: criteria provided, single submitter. Criteria: ACMG Guidelines, 2015. Collection method: clinical testing. Allele origin: germline.

Ambry Genetics
Classification: Uncertain significance for Inborn genetic diseases. Last evaluated: 2023-06-28. Review status: criteria provided, single submitter. Criteria: Ambry Variant Classification Scheme 2023. Collection method: clinical testing. Allele origin: germline.

Blueprint Genetics
Classification: Uncertain significance. Last evaluated: 2021-06-24. Review status: criteria provided, single submitter. Criteria: ACMG Guidelines, 2015. Collection method: clinical testing. Allele origin: germline.